The following is an entry in ClinVar:

ClinVar aggregate classification (germline): Benign (1 of 4 stars; one submission).

Allele frequency attached by ClinVar (database versions not stated): 1000 Genomes Project 0.01458; gnomAD 0.01460 and 0.01572; TOPMed 0.01601; 1000 Genomes Project 30x 0.01640.

Submission:

GeneDx
Classification: Benign. Last evaluated: 2018-06-16. Review status: criteria provided, single submitter. Criteria: GeneDx Variant Classification (06012015). Collection method: clinical testing. Allele origin: germline. Affected: yes.
Comment: This variant is considered likely benign or benign based on one or more of the following criteria: it is a conservative change, it occurs at a poorly conserved position in the protein, it is predicted to be benign by multiple in silico algorithms, and/or has population frequency not consistent with disease.

NM_006846.4(SPINK5):c.2112+247T>C

Gene: SPINK5 (serine peptidase inhibitor Kazal type 5; plus strand). Cytogenetic location: 5q32.
Variant type: single nucleotide variant.
Coding change: c.2112+247T>C on transcript NM_006846.4 (MANE Select); 247 bases into the intron after coding-DNA position 2112, T replaced by C.
Molecular consequence: intron variant.
Genome position (GRCh38, 1-based): chr5:148,116,713, T>C. VCF-style: chr5-148116713-T-C. GRCh37 (hg19) VCF-style: chr5-147496276-T-C.
Other names: c.2112+247T>C (NM_001127698.2, NM_001127699.2).
Identifiers: ClinVar variation 677860 (VCV000677860.1), dbSNP rs56683639, ClinGen allele CA128934033.
Genomic context (GRCh38, chr5:148,116,713, plus strand): 5'-TTTACACCTTGAAATAATTAACAATATGTAATGACCTTATCCCAGTCTCCTGAGCCCTCT[T>C]TATGGTAATCTAGACCTCATATCAATAATCGTTCTCATCAGTATCACATGCTCTTCATTT-3'